The following is an entry in ClinVar:

ClinVar aggregate classification (germline): Likely pathogenic (1 of 4 stars; one submission).

Conditions:
Hypothyroidism due to TSH receptor mutations. Also called: Hypothyroidism, congenital, nongoitrous, 1; HYPOTHYROIDISM DUE TO UNRESPONSIVENESS TO THYROTROPIN; HYPOTHYROIDISM, CONGENITAL, DUE TO TSH RESISTANCE; HYPOTHYROIDISM, NONAUTOIMMUNE; THYROID-STIMULATING HORMONE, RESISTANCE TO; TSH RESISTANCE. Identifiers: Orphanet 90673, MedGen C3493776, MONDO:0010142, OMIM 275200.

gnomAD v4.1: 9 of 1,613,920 alleles (0.00056%); highest among the groups gnomAD compares: East Asian, 0.0089%; no homozygotes.

Submission:

Women's Health and Genetics/Laboratory Corporation of America, LabCorp
Classification: Likely pathogenic for Hypothyroidism due to TSH receptor mutations. Last evaluated: 2025-02-12. Review status: criteria provided, single submitter. Criteria: LabCorp Variant Classification Summary - May 2015. Collection method: clinical testing. Allele origin: germline.
Comment: Variant summary: TSHR c.1295A>G (p.Asn432Ser) results in a conservative amino acid change in the encoded protein sequence. Four of five in-silico tools predict a damaging effect of the variant on protein function. The variant allele was found at a frequency of 2e-05 in 251484 control chromosomes. c.1295A>G has been reported in the literature in mulitple homozygous and compound heterozygous individuals affected with congenital hypothyroidism (e.g., Mahfouz_2020, Zhou_2023, Zhang_2023, Zhang_2024). These data indicate that the variant may be associated with disease. At least one publication reports experimental evidence evaluating an impact on protein function. 293T cells transfected with variant plasmids significantly reduced activity when compared to WT plasmids (<10% of WT activity). The following publications have been ascertained in the context of this evaluation (PMID: 32382396, 37390946, 38433572, 38105685). No submitters have cited clinical-significance assessments for this variant to ClinVar. Based on the evidence outlined above, the variant was classified as likely pathogenic.

Literature cited by the submitters: PubMed 37390946; PubMed 32382396; PubMed 38105685; PubMed 38433572.

NM_000369.5(TSHR):c.1295A>G (p.Asn432Ser)

Genes: TSHR (thyroid stimulating hormone receptor; plus strand), TSHR-AS1 (TSHR antisense RNA 1; minus strand). Cytogenetic location: 14q31.1.
Variant type: single nucleotide variant.
Coding change: c.1295A>G on transcript NM_000369.5 (MANE Select); coding-DNA position 1295, A replaced by G.
Protein change: p.Asn432Ser; replaces asparagine 432 with serine.
Molecular consequence: missense variant.
Genome position (GRCh38, 1-based): chr14:81,143,353, A>G. VCF-style: chr14-81143353-A-G. GRCh37 (hg19) VCF-style: chr14-81609697-A-G.
Other names: short protein forms N432S.
Identifiers: ClinVar variation 3768582 (VCV003768582.1).